The following is an entry in ClinVar:

NM_000548.5(TSC2):c.4569G>A (p.Glu1523=)

Gene: TSC2 (TSC complex subunit 2; plus strand). Cytogenetic location: 16p13.3.
Variant type: single nucleotide variant.
Coding change: c.4569G>A on transcript NM_000548.5 (MANE Select); coding-DNA position 4569, G replaced by A.
Protein change: p.Glu1523=; no amino-acid change (glutamic acid 1523 retained).
Molecular consequence: synonymous variant.
Genome position (GRCh38, 1-based): chr16:2,085,026, G>A. VCF-style: chr16-2085026-G-A. GRCh37 (hg19) VCF-style: chr16-2135027-G-A.
Other names: c.4368G>A, p.Glu1456= (NM_001077183.3); c.4500G>A, p.Glu1500= (NM_001114382.3); c.4260G>A, p.Glu1420= (NM_001318827.2); c.4224G>A, p.Glu1408= (NM_001318829.2); c.3837G>A, p.Glu1279= (NM_001318831.2); c.4401G>A, p.Glu1467= (NM_001318832.2); c.4371G>A, p.Glu1457= (NM_001363528.2); c.4437G>A, p.Glu1479= (NM_001370404.1); and 2 more.
Identifiers: ClinVar variation 1060595 (VCV001060595.8), dbSNP rs945456651, ClinGen allele CA276754073.

ClinVar aggregate classification (germline): Uncertain significance. Review status: criteria provided, multiple submitters, no conflicts (2 of 4 stars). 2 submissions from 2 submitters: Uncertain significance (2). Last evaluated 2023-06-01.

Conditions:
Hereditary cancer-predisposing syndrome. Also called: Tumor predisposition; Neoplastic Syndromes, Hereditary; Hereditary Cancer Syndrome; Hereditary neoplastic syndrome. Identifiers: Orphanet 140162, MedGen C0027672, MeSH D009386, MONDO:0015356.
Tuberous sclerosis 2 (TSC2). Identifiers: Orphanet 805, MedGen C1860707, MONDO:0013199, OMIM 613254.

Allele frequency attached by ClinVar (database versions not stated): gnomAD exomes below 0.00001.
gnomAD v4.1: 3 of 1,613,282 alleles (0.00019%); highest among the groups gnomAD compares: Non-Finnish European, 0.00025%; no homozygotes.

Submissions (2):

Ambry Genetics
Classification: Uncertain significance for Hereditary cancer-predisposing syndrome. Last evaluated: 2023-06-01. Review status: criteria provided, single submitter. Criteria: Ambry Variant Classification Scheme 2023. Collection method: clinical testing. Allele origin: germline.
Comment: The c.4569G>A variant (also known as p.E1523E), located in coding exon 34 of the TSC2 gene, results from a G to A substitution at nucleotide position 4569. This nucleotide substitution does not change the amino acid at codon 1523. However, this change occurs in the last base pair of coding exon 34, which makes it likely to have some effect on normal mRNA splicing. In silico splice site analysis predicts that this alteration may weaken the native splice donor site and may result in the creation or strengthening of a novel splice donor site. This nucleotide position is highly conserved in available vertebrate species. Since supporting evidence is limited at this time, the clinical significance of this alteration remains unclear.

Labcorp Genetics (formerly Invitae), Labcorp
Classification: Uncertain significance for Tuberous sclerosis 2. Last evaluated: 2020-10-19. Review status: criteria provided, single submitter. Criteria: Invitae Variant Classification Sherloc (09022015). Collection method: clinical testing. Allele origin: germline.
Comment: In summary, the available evidence is currently insufficient to determine the role of this variant in disease. Therefore, it has been classified as a Variant of Uncertain Significance. Nucleotide substitutions within the consensus splice site are a relatively common cause of aberrant splicing (PMID: 17576681, 9536098). Algorithms developed to predict the effect of sequence changes on RNA splicing suggest that this variant may disrupt the consensus splice site, but this prediction has not been confirmed by published transcriptional studies. This variant has not been reported in the literature in individuals with TSC2-related conditions. This variant is not present in population databases (ExAC no frequency). This sequence change affects codon 1523 of the TSC2 mRNA. It is a 'silent' change, meaning that it does not change the encoded amino acid sequence of the TSC2 protein. This variant also falls at the last nucleotide of exon 35, which is part of the consensus splice site for this exon.

Literature cited by the submitters: PubMed 17576681 (cited by Labcorp Genetics (formerly Invitae), Labcorp); PubMed 9536098 (cited by Labcorp Genetics (formerly Invitae), Labcorp).